The following is an entry in ClinVar:

ClinVar aggregate classification (germline): Conflicting classifications of pathogenicity. Review status: criteria provided, conflicting classifications (1 of 4 stars). 4 submissions from 4 submitters: Uncertain significance (1); Benign (2); Likely benign (1). Last evaluated 2026-01-24.

Conditions:
Congenital lactase deficiency. Also called: ALACTASIA, CONGENITAL; DISACCHARIDE INTOLERANCE II. Identifiers: Orphanet 53690, MedGen C0268179, MONDO:0009115, OMIM 223000.

Allele frequency attached by ClinVar (database versions not stated): 1000 Genomes Project 0.00040; 1000 Genomes Project 30x 0.00094; ExAC 0.00114; gnomAD exomes 0.00125 and 0.00253; gnomAD 0.00147 and 0.00150; TOPMed 0.00147; ESP Exome Variant Server 0.00208.
gnomAD v4.1: 3,818 of 1,613,858 alleles (0.24%); highest among the groups gnomAD compares: Non-Finnish European, 0.32%; 8 homozygotes.

Submissions (4):

Labcorp Genetics (formerly Invitae), Labcorp
Classification: Benign. Last evaluated: 2026-01-24. Review status: criteria provided, single submitter. Criteria: Invitae Variant Classification Sherloc (09022015). Collection method: clinical testing. Allele origin: germline.

Mayo Clinic Laboratories, Mayo Clinic
Classification: Benign. Last evaluated: 2024-11-25. Review status: criteria provided, single submitter. Criteria: ACMG Guidelines, 2015. Collection method: clinical testing. Allele origin: germline. Observed: 1 variant allele.
Comment: BS1, BS2, BP4, BP7

Blueprint Genetics
Classification: Likely benign. Last evaluated: 2024-10-15. Review status: criteria provided, single submitter. Criteria: ACMG Guidelines, 2015. Collection method: clinical testing. Allele origin: germline.

Illumina Laboratory Services, Illumina
Classification: Uncertain significance for Congenital lactase deficiency. Last evaluated: 2018-01-13. Review status: criteria provided, single submitter. Criteria: ICSL Variant Classification Criteria 13 December 2019. Collection method: clinical testing. Allele origin: germline.

NM_002299.4(LCT):c.30T>C (p.Ile10=)

Gene: LCT (lactase; minus strand). Cytogenetic location: 2q21.3.
Variant type: single nucleotide variant.
Coding change: c.30T>C on transcript NM_002299.4 (MANE Select); coding-DNA position 30, T replaced by C.
Protein change: p.Ile10=; no amino-acid change (isoleucine 10 retained).
Molecular consequence: synonymous variant.
Genome position (GRCh38, 1-based): chr2:135,837,140, A>G on the plus strand (T>C on the coding strand, the complement: LCT is on the minus strand). VCF-style: chr2-135837140-A-G. GRCh37 (hg19) VCF-style: chr2-136594710-A-G.
Other names: p.Ile10=.
Identifiers: ClinVar variation 894536 (VCV000894536.13), dbSNP rs150024239, ClinGen allele CA1888708.